The following is an entry in ClinVar:

ClinVar aggregate classification (germline): Likely pathogenic. Review status: criteria provided, multiple submitters, no conflicts (2 of 4 stars). 5 submissions from 5 submitters: Likely pathogenic (3). 2 of the submissions do not count toward it. Last evaluated 2025-06-18.

Conditions:
Maturity-onset diabetes of the young (MODY). Also called: Maturity onset diabetes mellitus in young. Identifiers: Orphanet 552, MedGen C0342276, MONDO:0018911, HP:0004904.
Hyperinsulinemic hypoglycemia, familial, 2. Also called: HYPERINSULINEMIC HYPOGLYCEMIA, PERSISTENT; HYPERINSULINISM, NEONATAL. Identifiers: Orphanet 276580, Orphanet 276603, MedGen C2931833, MONDO:0011153, OMIM 601820. Disease mechanism: loss of function.
Type 2 diabetes mellitus. Also called: Type II diabetes mellitus. Identifiers: MedGen C0011860, MeSH D003924, MONDO:0005148, OMIM 125853, HP:0005978.

Allele frequency attached by ClinVar (database versions not stated): gnomAD 0.00001; gnomAD exomes below 0.00001; TOPMed 0.00001.

Submissions (5):

Myriad Genetics, Inc.
Classification: Likely pathogenic for Hyperinsulinemic hypoglycemia, familial, 2. Last evaluated: 2025-06-18. Review status: criteria provided, single submitter. Criteria: Myriad Autosomal Dominant, Autosomal Recessive and X-Linked Classification Criteria (2023). Collection method: clinical testing. Allele origin: unknown.
Comment: NM_000525.3(KCNJ11):c.761C>T(P254L) is a missense variant classified as likely pathogenic in the context of familial hyperinsulinism, KCNJ11-related. P254L has been observed in cases with relevant disease (PMID: 32202736, 15579781, 27188453). Relevant functional assessments of this variant are available in the literature (PMID: 15579781). P254L has been observed in referenced population frequency databases. In summary, NM_000525.3(KCNJ11):c.761C>T(P254L) is a missense variant that has functional support for pathogenicity and has been observed more frequently in cases with the relevant disease than in healthy populations. Please note: this variant was assessed in the context of healthy population screening.

Labcorp Genetics (formerly Invitae), Labcorp
Classification: Likely pathogenic. Last evaluated: 2023-10-22. Review status: criteria provided, single submitter. Criteria: Invitae Variant Classification Sherloc (09022015). Collection method: clinical testing. Allele origin: germline.
Comment: This sequence change replaces proline, which is neutral and non-polar, with leucine, which is neutral and non-polar, at codon 254 of the KCNJ11 protein (p.Pro254Leu). This variant is present in population databases (rs104894237, gnomAD 0.003%). This missense change has been observed in individuals with autosomal recessive hyperinsulinism (PMID: 15579781, 27188453). ClinVar contains an entry for this variant (Variation ID: 8675). Advanced modeling of protein sequence and biophysical properties (such as structural, functional, and spatial information, amino acid conservation, physicochemical variation, residue mobility, and thermodynamic stability) performed at Invitae indicates that this missense variant is expected to disrupt KCNJ11 protein function. Experimental studies have shown that this missense change affects KCNJ11 function (PMID: 15579781). In summary, the currently available evidence indicates that the variant is pathogenic, but additional data are needed to prove that conclusively. Therefore, this variant has been classified as Likely Pathogenic.

Baylor Genetics
Classification: Likely pathogenic for Type 2 diabetes mellitus. Last evaluated: 2023-09-23. Review status: criteria provided, single submitter. Criteria: ACMG Guidelines, 2015. Collection method: clinical testing. Allele origin: unknown.

OMIM
Classification: Pathogenic for HYPERINSULINEMIC HYPOGLYCEMIA, FAMILIAL, 2. Last evaluated: 2004-12-01. Review status: no assertion criteria provided. Collection method: literature only. Allele origin: germline. Not counted in ClinVar's aggregate classification.

Clinical Genomics, Uppaluri K&H Personalized Medicine Clinic
Classification: Uncertain significance for Maturity-onset diabetes of the young. Review status: flagged submission. Criteria: K&H Uppaluri Personalized Medicine Clinic Variant Classification & Assertion Criteria. Collection method: research. Allele origin: somatic. Inheritance: Autosomal dominant inheritance. Not counted in ClinVar's aggregate classification.
Comment: Mutations in KCNJ11 gene can cause decreased production and secretion of insulin. This can lead to MODY which may be responsive to oral sulfonylureas. It is also associated with Neonatal Diabetes. However, no sufficient evidence is found to ascertain the role of rs104894237 variant in MODY yet.
ClinVar note: Reason: Outlier claim with insufficient supporting evidence

Literature cited by the submitters: PubMed 15579781 (cited by 3 submitters); PubMed 27188453 (cited by Myriad Genetics, Inc. and Labcorp Genetics (formerly Invitae), Labcorp); PubMed 32202736 (cited by Myriad Genetics, Inc.); PubMed 26448950 (cited by Clinical Genomics, Uppaluri K&H Personalized Medicine Clinic); PubMed 15580558 (cited by Clinical Genomics, Uppaluri K&H Personalized Medicine Clinic); PubMed 15718250 (cited by Clinical Genomics, Uppaluri K&H Personalized Medicine Clinic); PubMed 32935446 (cited by Clinical Genomics, Uppaluri K&H Personalized Medicine Clinic); PubMed 22701567 (cited by Clinical Genomics, Uppaluri K&H Personalized Medicine Clinic).

NM_000525.4(KCNJ11):c.761C>T (p.Pro254Leu)

Gene: KCNJ11 (potassium inwardly rectifying channel subfamily J member 11; minus strand). Cytogenetic location: 11p15.1.
Variant type: single nucleotide variant.
Coding change: c.761C>T on transcript NM_000525.4 (MANE Select); coding-DNA position 761, C replaced by T.
Protein change: p.Pro254Leu; replaces proline 254 with leucine.
Molecular consequence: missense variant.
Genome position (GRCh38, 1-based): chr11:17,387,331, G>A on the plus strand (C>T on the coding strand, the complement: KCNJ11 is on the minus strand). VCF-style: chr11-17387331-G-A. GRCh37 (hg19) VCF-style: chr11-17408878-G-A.
Other names: c.500C>T, p.Pro167Leu (NM_001166290.2, NM_001377296.1, NM_001377297.1); short protein forms P254L, P167L.
Identifiers: ClinVar variation 8675 (VCV000008675.9), dbSNP rs104894237, ClinGen allele CA254520.